The following is an entry in ClinVar:

ClinVar aggregate classification (germline): Likely pathogenic (1 of 4 stars; one submission).

Conditions:
Neurodevelopmental disorder with hypotonia, neuropathy, and deafness (NEDHND). Also called: Myopathy, congenital, with neuropathy and deafness; SPTBN4 Disorder. Identifiers: MedGen C4479603, MONDO:0060496, OMIM 617519.

gnomAD v4.1: 3 of 1,579,992 alleles (0.00019%); highest among the groups gnomAD compares: Non-Finnish European, 0.000086%; no homozygotes.

Submission:

3billion
Classification: Likely pathogenic for Neurodevelopmental disorder with hypotonia, neuropathy, and deafness. Last evaluated: 2023-07-27. Review status: criteria provided, single submitter. Criteria: ACMG Guidelines, 2015. Collection method: clinical testing. Allele origin: germline. Affected: yes.
Comment: The variant is observed at an extremely low frequency in the gnomAD v2.1.1 dataset (total allele frequency: 0.001%). Predicted Consequence/Location: Stop-gained (nonsense): predicted to result in a loss or disruption of normal protein function through nonsense-mediated decay (NMD) or protein truncation. Multiple pathogenic variants are reported downstream of the variant. Therefore, this variant is classified as Likely pathogenic according to the recommendation of ACMG/AMP guideline.

NM_020971.3(SPTBN4):c.6826G>T (p.Glu2276Ter)

Gene: SPTBN4 (spectrin beta, non-erythrocytic 4; plus strand). Cytogenetic location: 19q13.2.
Variant type: single nucleotide variant.
Coding change: c.6826G>T on transcript NM_020971.3 (MANE Select); coding-DNA position 6826, G replaced by T.
Protein change: p.Glu2276Ter; replaces glutamic acid 2276 with a stop codon.
Molecular consequence: nonsense.
Genome position (GRCh38, 1-based): chr19:40,568,152, G>T. VCF-style: chr19-40568152-G-T. GRCh37 (hg19) VCF-style: chr19-41074058-G-T.
Other names: short protein forms E2276*.
Identifiers: ClinVar variation 3776278 (VCV003776278.1).
Genomic context (GRCh38, chr19:40,568,152, plus strand): 5'-GATCAATCCGAGGAGGCTGCGCGGAGGCGGCGGCCGGAGCGGCAGGAGTCAGCGGAGCAC[G>T]AGGCGGCACACAGCCTTACCCTGGGCCGCTATGAGCAGATGGAGCGGCGGCGCGAGCGGC-3'